The following is an entry in ClinVar:

ClinVar aggregate classification (germline): Conflicting classifications of pathogenicity. Review status: criteria provided, conflicting classifications (1 of 4 stars). 2 submissions from 2 submitters: Uncertain significance (1); Likely benign (1). Last evaluated 2026-01-28.

Allele frequency attached by ClinVar (database versions not stated): gnomAD exomes 0.00001; ExAC 0.00003; ESP Exome Variant Server 0.00008; gnomAD 0.00011; TOPMed 0.00013; 1000 Genomes Project 30x 0.00031; 1000 Genomes Project 0.00040.
gnomAD v4.1: 33 of 1,590,734 alleles (0.0021%); highest among the groups gnomAD compares: African/African-American, 0.026%; no homozygotes.

Submissions (2):

Labcorp Genetics (formerly Invitae), Labcorp
Classification: Uncertain significance. Last evaluated: 2026-01-28. Review status: criteria provided, single submitter. Criteria: Invitae Variant Classification Sherloc (09022015). Collection method: clinical testing. Allele origin: germline.
Comment: This sequence change replaces asparagine, which is neutral and polar, with serine, which is neutral and polar, at codon 465 of the RASA2 protein (p.Asn465Ser). This variant is present in population databases (rs371059099, gnomAD 0.03%). This variant has not been reported in the literature in individuals affected with RASA2-related conditions. ClinVar contains an entry for this variant (Variation ID: 1945040). Invitae Evidence Modeling of protein sequence and biophysical properties (such as structural, functional, and spatial information, amino acid conservation, physicochemical variation, residue mobility, and thermodynamic stability) indicates that this missense variant is not expected to disrupt RASA2 protein function with a negative predictive value of 80%. In summary, the available evidence is currently insufficient to determine the role of this variant in disease. Therefore, it has been classified as a Variant of Uncertain Significance.

Ambry Genetics
Classification: Likely benign. Last evaluated: 2023-05-05. Review status: criteria provided, single submitter. Criteria: Ambry Variant Classification Scheme 2023. Collection method: clinical testing. Allele origin: germline.

NM_006506.5(RASA2):c.1394A>G (p.Asn465Ser)

Gene: RASA2 (RAS p21 protein activator 2; plus strand). Cytogenetic location: 3q23.
Variant type: single nucleotide variant.
Coding change: c.1394A>G on transcript NM_006506.5 (MANE Select); coding-DNA position 1394, A replaced by G.
Protein change: p.Asn465Ser; replaces asparagine 465 with serine.
Molecular consequence: missense variant.
Genome position (GRCh38, 1-based): chr3:141,573,978, A>G. VCF-style: chr3-141573978-A-G. GRCh37 (hg19) VCF-style: chr3-141292820-A-G.
Other names: c.1394A>G, p.Asn465Ser (NM_001303245.3, NM_001303246.3); c.1394A>G (NM_006506.2); short protein forms N465S.
Identifiers: ClinVar variation 1945040 (VCV001945040.7), dbSNP rs371059099, ClinGen allele CA2645500.
Genomic context (GRCh38, chr3:141,573,978, plus strand): 5'-AATGTTTACCTTTTTAAATCCTGCAGGAGAATCTGCGCTACTATGTAGACAAGTTATTCA[A>G]TACAATTGTAAAATCAAGTATGAGCTGCCCCACTGTAATGTGTGATATCTTTTATTCTCT-3'
Protein context (NP_006497.2, residues 455-475): NLRYYVDKLF[Asn465Ser]TIVKSSMSCP